The following is an entry in ClinVar:

NM_001849.4(COL6A2):c.2961G>A (p.Thr987=)

Gene: COL6A2 (collagen type VI alpha 2 chain; plus strand). Cytogenetic location: 21q22.3.
Variant type: single nucleotide variant.
Coding change: c.2961G>A on transcript NM_001849.4 (MANE Select); coding-DNA position 2961, G replaced by A.
Protein change: p.Thr987=; no amino-acid change (threonine 987 retained).
Molecular consequence: synonymous variant.
Genome position (GRCh38, 1-based): chr21:46,132,453, G>A. VCF-style: chr21-46132453-G-A. GRCh37 (hg19) VCF-style: chr21-47552367-G-A.
Identifiers: ClinVar variation 196114 (VCV000196114.16), dbSNP rs149845431, ClinGen allele CA242935.

ClinVar aggregate classification (germline): Conflicting classifications of pathogenicity. Review status: criteria provided, conflicting classifications (1 of 4 stars). 4 submissions from 4 submitters: Uncertain significance (1); Likely benign (3). Last evaluated 2025-09-10.

Conditions:
COL6A2-related disorder.
Bethlem myopathy 1A. Also called: MYOPATHY, BENIGN CONGENITAL, WITH CONTRACTURES; Bethlem myopathy 1; Bethlem Muscular Dystrophy. Identifiers: Orphanet 610, MedGen CN029274, MONDO:0024530, OMIM 158810.

Allele frequency attached by ClinVar (database versions not stated): gnomAD exomes 0.00007; ExAC 0.00009; gnomAD 0.00019; TOPMed 0.00029; ESP Exome Variant Server 0.00031.
gnomAD v4.1: 61 of 1,605,974 alleles (0.0038%); highest among the groups gnomAD compares: African/African-American, 0.056%; no homozygotes.

Submissions (4):

Labcorp Genetics (formerly Invitae), Labcorp
Classification: Likely benign for Bethlem myopathy 1A. Last evaluated: 2025-09-10. Review status: criteria provided, single submitter. Criteria: Invitae Variant Classification Sherloc (09022015). Collection method: clinical testing. Allele origin: germline.

PreventionGenetics, part of Exact Sciences
Classification: Likely benign for COL6A2-related condition. Last evaluated: 2025-04-04. Review status: criteria provided, single submitter. Criteria: ACMG Guidelines, 2015. Collection method: clinical testing. Allele origin: germline.
Comment: This variant is classified as likely benign based on ACMG/AMP sequence variant interpretation guidelines (Richards et al. 2015 PMID: 25741868, with internal and published modifications).

GeneDx
Classification: Likely benign. Last evaluated: 2016-07-22. Review status: criteria provided, single submitter. Criteria: GeneDx Variant Classification (06012015). Collection method: clinical testing. Allele origin: germline. Affected: yes.
Comment: This variant is considered likely benign or benign based on one or more of the following criteria: it is a conservative change, it occurs at a poorly conserved position in the protein, it is predicted to be benign by multiple in silico algorithms, and/or has population frequency not consistent with disease.

Eurofins Ntd Llc (ga)
Classification: Uncertain significance. Last evaluated: 2014-08-05. Review status: criteria provided, single submitter. Criteria: EGL Classification Definitions 2015. Collection method: clinical testing. Allele origin: germline. Observed: 1 variant allele, 1 heterozygote.